The following is an entry in ClinVar:

NM_001060.6(TBXA2R):c.340TTC[1] (p.Phe115del)

Gene: TBXA2R (thromboxane A2 receptor; minus strand). Cytogenetic location: 19p13.3.
Variant type: Microsatellite.
Coding change: c.340TTC[1] on transcript NM_001060.6 (MANE Select); one copy of the 3-base unit TTC starting at c.340; the reference has two copies in a row; one copy, 3 bases deleted.
Protein change: p.Phe115del; deletes phenylalanine 115.
Molecular consequence: inframe deletion.
Genome position (GRCh38, 1-based): chr19:3,600,290-3,600,292, GAA deleted on the plus strand (TTC on the coding strand, the reverse complement: TBXA2R is on the minus strand); deleting any 3 consecutive bases within chr19:3,600,290-3,600,297 gives the same sequence; the position shown is the placement nearest the transcript's 3' end. VCF-style (leftmost placement, unchanged base first): chr19-3600289-CGAA-C. GRCh37 (hg19) VCF-style: chr19-3600287-CGAA-C.
Other names: c.340TTC[1], p.Phe115del (NM_201636.3); c.343_345delTTC (NM_001060.6, NM_001060.5); short protein forms F115del.
Identifiers: ClinVar variation 626956 (VCV000626956.4), dbSNP rs775726146, ClinGen allele CA9080871.
Genomic context (GRCh38, chr19:3,600,289, plus strand): 5'-GGGTGATACCCAGGTAGCGCTCTGAGGCCATGGCGGCCCCCAGCAGCAGCGGGGACAGGC[CGAA>C]GAAGATCATGACGACGCCCATGAAGCGACAGAGACGGCAGCCAGGGTCCACGGCGTGCCA-3'

ClinVar aggregate classification (germline): Uncertain significance. Review status: criteria provided, multiple submitters, no conflicts (2 of 4 stars). 2 submissions from 2 submitters: Uncertain significance (2). Last evaluated 2025-07-01.

Conditions:
Impaired thromboxane A2 agonist-induced platelet aggregation. Identifiers: MedGen C4023141, HP:0011894.

Submissions (2):

Women's Health and Genetics/Laboratory Corporation of America, LabCorp
Classification: Uncertain significance. Last evaluated: 2025-07-01. Review status: criteria provided, single submitter. Criteria: LabCorp Variant Classification Summary - May 2015. Collection method: clinical testing. Allele origin: germline.
Comment: Variant summary: TBXA2R c.343_345delTTC (p.Phe115del) results in an in-frame deletion that is predicted to remove one amino acid from the encoded protein. The variant allele was found at a frequency of 3.7e-05 in 243530 control chromosomes. The available data on variant occurrences in the general population are insufficient to allow any conclusion about variant significance. c.343_345delTTC has been observed in individual(s) affected with platelet disorders (e.g. Andres_2018, Downes_2019). These reports do not provide unequivocal conclusions about association of the variant with Bleeding Diathesis Due To Thromboxane Synthesis Deficiency. To our knowledge, no experimental evidence demonstrating an impact on protein function has been reported. The following publications have been ascertained in the context of this evaluation (PMID: 31249973, 31064749). ClinVar contains an entry for this variant (Variation ID: 626956). Based on the evidence outlined above, the variant was classified as uncertain significance.

NIHR Bioresource Rare Diseases, University of Cambridge
Classification: Uncertain significance for Impaired thromboxane A2 agonist-induced platelet aggregation. Last evaluated: 2019-02-01. Review status: criteria provided, single submitter. Criteria: ACMG Guidelines, 2015. Collection method: research. Allele origin: unknown. Affected: yes. Observed: 1 heterozygote. Study: ThromboGenomics.

Literature cited by the submitters: PubMed 31249973 (cited by Women's Health and Genetics/Laboratory Corporation of America, LabCorp); PubMed 31064749 (cited by Women's Health and Genetics/Laboratory Corporation of America, LabCorp and NIHR Bioresource Rare Diseases, University of Cambridge).